The following is an entry in ClinVar:

ClinVar aggregate classification (germline): Uncertain significance. Review status: criteria provided, multiple submitters, no conflicts (2 of 4 stars). 3 submissions from 3 submitters: Uncertain significance (3). Last evaluated 2025-07-14.

Conditions:
Cystic fibrosis (CF). Also called: MUCOVISCIDOSIS. Identifiers: Orphanet 586, MedGen C0010674, MONDO:0009061, OMIM 219700. Disease mechanism: loss of function.

Allele frequency attached by ClinVar (database versions not stated): gnomAD exomes below 0.00001; ExAC 0.00001.
gnomAD v4.1: 5 of 1,614,012 alleles (0.00031%); highest among the groups gnomAD compares: South Asian, 0.0055%; no homozygotes.

Submissions (3):

Labcorp Genetics (formerly Invitae), Labcorp
Classification: Uncertain significance for Cystic fibrosis. Last evaluated: 2025-07-14. Review status: criteria provided, single submitter. Criteria: Invitae Variant Classification Sherloc (09022015). Collection method: clinical testing. Allele origin: germline.
Comment: This sequence change replaces serine, which is neutral and polar, with asparagine, which is neutral and polar, at codon 1347 of the CFTR protein (p.Ser1347Asn). This variant is present in population databases (rs777147679, gnomAD 0.006%). This variant has not been reported in the literature in individuals affected with CFTR-related conditions. ClinVar contains an entry for this variant (Variation ID: 1737285). Invitae Evidence Modeling of protein sequence and biophysical properties (such as structural, functional, and spatial information, amino acid conservation, physicochemical variation, residue mobility, and thermodynamic stability) indicates that this missense variant is expected to disrupt CFTR protein function with a positive predictive value of 80%. In summary, the available evidence is currently insufficient to determine the role of this variant in disease. Therefore, it has been classified as a Variant of Uncertain Significance.

Ambry Genetics
Classification: Uncertain significance for Cystic fibrosis. Last evaluated: 2025-04-03. Review status: criteria provided, single submitter. Criteria: Ambry Variant Classification Scheme 2023. Collection method: clinical testing. Allele origin: germline.
Comment: The p.S1347N variant (also known as c.4040G>A), located in coding exon 25 of the CFTR gene, results from a G to A substitution at nucleotide position 4040. The serine at codon 1347 is replaced by asparagine, an amino acid with highly similar properties. This amino acid position is conserved. In addition, this alteration is predicted to be deleterious by in silico analysis. Since supporting evidence is limited at this time, the clinical significance of this alteration remains unclear.

Revvity Omics, Revvity
Classification: Uncertain significance. Last evaluated: 2023-01-18. Review status: criteria provided, single submitter. Criteria: ACMG Guidelines, 2015. Collection method: clinical testing. Allele origin: germline.

NM_000492.4(CFTR):c.4040G>A (p.Ser1347Asn)

Gene: CFTR (CF transmembrane conductance regulator; plus strand). Cytogenetic location: 7q31.2.
Variant type: single nucleotide variant.
Coding change: c.4040G>A on transcript NM_000492.4 (MANE Select); coding-DNA position 4040, G replaced by A.
Protein change: p.Ser1347Asn; replaces serine 1347 with asparagine.
Molecular consequence: missense variant.
Genome position (GRCh38, 1-based): chr7:117,664,764, G>A. VCF-style: chr7-117664764-G-A. GRCh37 (hg19) VCF-style: chr7-117304818-G-A.
Other names: short protein forms S1347N.
Identifiers: ClinVar variation 1737285 (VCV001737285.7), dbSNP rs777147679, ClinGen allele CA4451614.